The following is an entry in ClinVar:

ClinVar aggregate classification (germline): Uncertain significance (1 of 4 stars; one submission).

Submission:

GeneDx
Classification: Uncertain significance. Last evaluated: 2023-06-13. Review status: criteria provided, single submitter. Criteria: GeneDx Variant Classification Process June 2021. Collection method: clinical testing. Allele origin: germline. Affected: yes.
Comment: Not observed at significant frequency in large population cohorts (gnomAD); In silico analysis supports that this missense variant has a deleterious effect on protein structure/function; Has not been previously published as pathogenic or benign to our knowledge; Occurs in the triple helical domain at the X position in the canonical Gly-X-Y repeat; although this variant may have an effect on normal protein folding and function, missense substitution at the X position is not a common mechanism of disease (HGMD)

NM_001844.5(COL2A1):c.1676C>A (p.Ala559Asp)

Gene: COL2A1 (collagen type II alpha 1 chain; minus strand). Cytogenetic location: 12q13.11.
Variant type: single nucleotide variant.
Coding change: c.1676C>A on transcript NM_001844.5 (MANE Select); coding-DNA position 1676, C replaced by A.
Protein change: p.Ala559Asp; replaces alanine 559 with aspartic acid.
Molecular consequence: missense variant.
Genome position (GRCh38, 1-based): chr12:47,985,732, G>T on the plus strand (C>A on the coding strand, the complement: COL2A1 is on the minus strand). VCF-style: chr12-47985732-G-T. GRCh37 (hg19) VCF-style: chr12-48379515-G-T.
Other names: c.1469C>A, p.Ala490Asp (NM_033150.3); short protein forms A490D, A559D.
Identifiers: ClinVar variation 3253445 (VCV003253445.1), dbSNP rs2540146747.
Genomic context (GRCh38, chr12:47,985,732, plus strand): 5'-AGCCAGGAAGGGCCTGAGGGTCTGAAGCCAAGGGCAACAGCAGCTCTGCTACTTACCCGG[G>T]CTCCAGGAAGGCCAGGTTCTCCAGGACGGCCAGGGTCACCGTTGGCTCCCTTGGGGCCAG-3'
Protein context (NP_001835.3, residues 549-569): GRPGEPGLPG[Ala559Asp]RGLTGRPGDA